The following is an entry in ClinVar:

ClinVar aggregate classification (germline): Uncertain significance (1 of 4 stars; one submission).

Conditions:
Autosomal recessive titinopathy. Identifiers: MedGen CN315649, MONDO:0100493.

Submission:

Victorian Clinical Genetics Services, Murdoch Childrens Research Institute
Classification: Uncertain significance for Autosomal recessive titinopathy. Last evaluated: 2025-07-29. Review status: criteria provided, single submitter. Criteria: ACMG Guidelines, 2015. Collection method: clinical testing. Allele origin: germline. Affected: yes.
Comment: This variant is classified as VUS-3B. Evidence in support of pathogenic classification: Variant is absent from gnomAD (v2, v3 and v4). Evidence in support of benign classification: Missense variant predicted to be tolerated by in silico tool(s) or not conserved in placental mammals with a minor amino acid change. Additional information: Variant is predicted to result in a missense amino acid change from isoleucine to valine; This variant is homozygous; This gene is associated with both recessive and dominant disease (OMIM); Alternative amino acid change(s) at the same position are present in gnomAD (Highest allele count: v4: 2 heterozygote(s), 0 homozygote(s)); This variant has no previous evidence of pathogenicity; No published evidence of segregation with disease has been identified for this variant; No published functional evidence has been identified for this variant; No comparable missense variants have previous evidence for pathogenicity; Variant is located in the annotated near-Z disk band and the exon has a PSI score of 100% (PMID: 25589632); Loss of function is a known mechanism of disease in this gene. In addition, dominant negative is also a suggested mechanism (PMID: 25589632); The condition associated with this gene has incomplete penetrance. Variants in this gene that result in a premature termination codon (PTC) are known to have reduced penetrance in DCM (PMID: 25589632); Inheritance information for this variant is not currently available in this individual.

Literature cited by the submitters: PubMed 25589632.

NM_001267550.2(TTN):c.2971A>G (p.Ile991Val)

Gene: TTN (titin; minus strand). Cytogenetic location: 2q31.2.
Variant type: single nucleotide variant.
Coding change: c.2971A>G on transcript NM_001267550.2 (MANE Select); coding-DNA position 2971, A replaced by G.
Protein change: p.Ile991Val; replaces isoleucine 991 with valine.
Molecular consequence: missense variant.
Genome position (GRCh38, 1-based): chr2:178,782,935, T>C on the plus strand (A>G on the coding strand, the complement: TTN is on the minus strand). VCF-style: chr2-178782935-T-C. GRCh37 (hg19) VCF-style: chr2-179647662-T-C.
Other names: c.2971A>G, p.Ile991Val (NM_001256850.1, NM_133378.4, NM_133379.5); c.2833A>G, p.Ile945Val (NM_003319.4, NM_133432.3, NM_133437.4); short protein forms I945V, I991V.
Identifiers: ClinVar variation 4531802 (VCV004531802.1).
Genomic context (GRCh38, chr2:178,782,935, plus strand): 5'-CGCTGTCTTCCGCAAATGCTTCGCGAATCATAAGACGAGCAATTCCACTCTGGAAGGTTA[T>C]CTGGAAGTCAATGGAACTTTCGATTTGGTAGTCTTCCCTGTACCATGTCACTGTCGGGGA-3'
Protein context (NP_001254479.2, residues 981-1001): YQIESSIDFQ[Ile991Val]TFQSGIARLM